The following is an entry in ClinVar:

NM_001393769.1(MED12L):c.5822G>A (p.Gly1941Asp)

Gene: MED12L (mediator complex subunit 12L; plus strand). Cytogenetic location: 3q25.1.
Variant type: single nucleotide variant.
Coding change: c.5822G>A on transcript NM_001393769.1 (MANE Select); coding-DNA position 5822, G replaced by A.
Protein change: p.Gly1941Asp; replaces glycine 1941 with aspartic acid.
Molecular consequence: missense variant.
Genome position (GRCh38, 1-based): chr3:151,409,244, G>A. VCF-style: chr3-151409244-G-A. GRCh37 (hg19) VCF-style: chr3-151127032-G-A.
Other names: c.5717G>A, p.Gly1906Asp (NM_053002.6); short protein forms G1906D, G1941D.
Identifiers: ClinVar variation 3394511 (VCV003394511.2).

ClinVar aggregate classification (germline): Likely benign. Review status: criteria provided, multiple submitters, no conflicts (2 of 4 stars). 2 submissions from 2 submitters: Likely benign (2). Last evaluated 2026-09-01.

Conditions:
Inborn genetic diseases. Identifiers: MedGen C0950123, MeSH D030342.

gnomAD v4.1: 111 of 1,587,528 alleles (0.007%); highest among the groups gnomAD compares: Admixed American, 0.2%; 1 homozygote.

Submissions (2):

CeGaT Center for Human Genetics Tuebingen
Classification: Likely benign. Last evaluated: 2026-09-01. Review status: criteria provided, single submitter. Criteria: CeGaT Center For Human Genetics Tuebingen Variant Classification Criteria Version 2. Collection method: clinical testing. Allele origin: germline. Affected: yes. Observed: 1 variant allele.
Comment: MED12L: BS1

Ambry Genetics
Classification: Likely benign for Inborn genetic diseases. Last evaluated: 2024-07-31. Review status: criteria provided, single submitter. Criteria: Ambry Variant Classification Scheme 2023. Collection method: clinical testing. Allele origin: germline.